The following is an entry in ClinVar:

ClinVar aggregate classification (germline): Uncertain significance (1 of 4 stars; one submission).

Allele frequency attached by ClinVar (database versions not stated): TOPMed 0.00007; ESP Exome Variant Server 0.00008; gnomAD exomes 0.00008 and 0.00010; gnomAD 0.00009 and 0.00015; ExAC 0.00012.
gnomAD v4.1: 149 of 1,614,172 alleles (0.0092%); highest among the groups gnomAD compares: Middle Eastern, 0.59%; 6 homozygotes.

Submission:

Labcorp Genetics (formerly Invitae), Labcorp
Classification: Uncertain significance. Last evaluated: 2026-01-28. Review status: criteria provided, single submitter. Criteria: Invitae Variant Classification Sherloc (09022015). Collection method: clinical testing. Allele origin: germline.
Comment: This sequence change falls in intron 5 of the CFAP298 gene. It does not directly change the encoded amino acid sequence of the CFAP298 protein. It affects a nucleotide within the consensus splice site. This variant is present in population databases (rs372359409, gnomAD 0.02%). This variant has not been reported in the literature in individuals affected with CFAP298-related conditions. ClinVar contains an entry for this variant (Variation ID: 525440). Variants that disrupt the consensus splice site are a relatively common cause of aberrant splicing (PMID: 17576681, 9536098). Algorithms developed to predict the effect of sequence changes on RNA splicing suggest that this variant is not likely to affect RNA splicing. In summary, the available evidence is currently insufficient to determine the role of this variant in disease. Therefore, it has been classified as a Variant of Uncertain Significance.

Literature cited by the submitters: PubMed 17576681; PubMed 9536098.

NM_021254.4(CFAP298):c.666+6T>C

Genes: CFAP298 (cilia and flagella associated protein 298; minus strand), CFAP298-TCP10L (CFAP298-TCP10L readthrough; minus strand). Cytogenetic location: 21q22.11.
Variant type: single nucleotide variant.
Coding change: c.666+6T>C on transcript NM_021254.4 (MANE Select); 6 bases into the intron after coding-DNA position 666, T replaced by C.
Molecular consequence: intron variant. On other transcripts: synonymous variant (1).
Genome position (GRCh38, 1-based): chr21:32,603,155, A>G on the plus strand (T>C on the coding strand, the complement: CFAP298 is on the minus strand). VCF-style: chr21-32603155-A-G. GRCh37 (hg19) VCF-style: chr21-33975465-A-G.
Other names: c.672T>C, p.Ser224= (NM_001350335.2); c.666+6T>C (NM_001350338.2, NM_001350336.2, NM_001350337.2); c.369+6T>C (NM_001350334.2).
Identifiers: ClinVar variation 525440 (VCV000525440.7), dbSNP rs372359409, ClinGen allele CA10002782.